The following is an entry in ClinVar:

NM_017909.4(RMND1):c.795C>G (p.His265Gln)

Gene: RMND1 (required for meiotic nuclear division 1 homolog; minus strand). Cytogenetic location: 6q25.1.
Variant type: single nucleotide variant.
Coding change: c.795C>G on transcript NM_017909.4 (MANE Select); coding-DNA position 795, C replaced by G.
Protein change: p.His265Gln; replaces histidine 265 with glutamine.
Molecular consequence: missense variant.
Genome position (GRCh38, 1-based): chr6:151,427,517, G>C on the plus strand (C>G on the coding strand, the complement: RMND1 is on the minus strand). VCF-style: chr6-151427517-G-C. GRCh37 (hg19) VCF-style: chr6-151748652-G-C.
Other names: c.795C>G (NM_017909.2, NM_017909.3); c.285C>G, p.His95Gln (NM_001271937.2); short protein forms H265Q, H95Q.
Identifiers: ClinVar variation 1446903 (VCV001446903.13), dbSNP rs150706976, ClinGen allele CA4050912.

ClinVar aggregate classification (germline): Conflicting classifications of pathogenicity. Review status: criteria provided, conflicting classifications (1 of 4 stars). 5 submissions from 5 submitters: Uncertain significance (3); Likely benign (1). 1 of the submissions does not count toward it. Last evaluated 2026-05-12.

Conditions:
Combined oxidative phosphorylation defect type 11. Also called: ENCEPHALONEUROMYOPATHY, INFANTILE, DUE TO MITOCHONDRIAL TRANSLATION DEFECT; Combined oxidative phosphorylation deficiency 11. Identifiers: Orphanet 324535, MedGen C5190991, MONDO:0013969, OMIM 614922.
RMND1-related disorder. Also called: RMND1-related condition.
Inborn genetic diseases. Identifiers: MedGen C0950123, MeSH D030342.

Allele frequency attached by ClinVar (database versions not stated): ExAC 0.00012; TOPMed 0.00055; gnomAD 0.00058 and 0.00060; gnomAD exomes 0.00004 and 0.00012; 1000 Genomes Project 30x 0.00031; 1000 Genomes Project 0.00020; ESP Exome Variant Server 0.00054.
gnomAD v4.1: 151 of 1,611,660 alleles (0.0094%); highest among the groups gnomAD compares: African/African-American, 0.17%; no homozygotes.

Submissions (5):

GeneDx
Classification: Uncertain significance. Last evaluated: 2026-05-12. Review status: criteria provided, single submitter. Criteria: GeneDx Variant Classification Process June 2021. Collection method: clinical testing. Allele origin: germline.
Comment: Has not been previously published as pathogenic or benign to our knowledge; In silico analysis suggests that this missense variant does not alter protein structure/function

Labcorp Genetics (formerly Invitae), Labcorp
Classification: Uncertain significance. Last evaluated: 2024-10-16. Review status: criteria provided, single submitter. Criteria: Invitae Variant Classification Sherloc (09022015). Collection method: clinical testing. Allele origin: germline.
Comment: This sequence change replaces histidine, which is basic and polar, with glutamine, which is neutral and polar, at codon 265 of the RMND1 protein (p.His265Gln). This variant is present in population databases (rs150706976, gnomAD 0.2%). This variant has not been reported in the literature in individuals affected with RMND1-related conditions. ClinVar contains an entry for this variant (Variation ID: 1446903). Invitae Evidence Modeling of protein sequence and biophysical properties (such as structural, functional, and spatial information, amino acid conservation, physicochemical variation, residue mobility, and thermodynamic stability) indicates that this missense variant is not expected to disrupt RMND1 protein function with a negative predictive value of 80%. In summary, the available evidence is currently insufficient to determine the role of this variant in disease. Therefore, it has been classified as a Variant of Uncertain Significance.

Ambry Genetics
Classification: Likely benign for Inborn genetic diseases. Last evaluated: 2023-12-22. Review status: criteria provided, single submitter. Criteria: Ambry Variant Classification Scheme 2023. Collection method: clinical testing. Allele origin: germline.

Fulgent Genetics
Classification: Uncertain significance for Combined oxidative phosphorylation defect type 11. Last evaluated: 2022-03-11. Review status: criteria provided, single submitter. Criteria: ACMG Guidelines, 2015. Collection method: clinical testing. Allele origin: unknown.

PreventionGenetics, part of Exact Sciences
Classification: Likely benign for RMND1-related condition. Last evaluated: 2023-06-30. Review status: no assertion criteria provided. Collection method: clinical testing. Allele origin: germline. Not counted in ClinVar's aggregate classification.
Comment: This variant is classified as likely benign based on ACMG/AMP sequence variant interpretation guidelines (Richards et al. 2015 PMID: 25741868, with internal and published modifications).